The following is an entry in ClinVar:

ClinVar aggregate classification (germline): Uncertain significance. Review status: criteria provided, multiple submitters, no conflicts (2 of 4 stars). 2 submissions from 2 submitters: Uncertain significance (2). Last evaluated 2022-07-30.

Conditions:
Alstrom syndrome (ALMS). Identifiers: Orphanet 64, MedGen C0268425, MONDO:0008763, OMIM 203800.
Cardiovascular phenotype. Identifiers: MedGen CN230736.

Allele frequency attached by ClinVar (database versions not stated): gnomAD 0.00001; TOPMed 0.00001.
gnomAD v4.1: 18 of 1,614,044 alleles (0.0011%); highest among the groups gnomAD compares: Non-Finnish European, 0.00025%; no homozygotes.

Submissions (2):

Labcorp Genetics (formerly Invitae), Labcorp
Classification: Uncertain significance for Alstrom syndrome. Last evaluated: 2022-07-30. Review status: criteria provided, single submitter. Criteria: Invitae Variant Classification Sherloc (09022015). Collection method: clinical testing. Allele origin: germline.
Comment: This sequence change replaces lysine, which is basic and polar, with arginine, which is basic and polar, at codon 4061 of the ALMS1 protein (p.Lys4061Arg). This variant is present in population databases (rs745476451, gnomAD 0.07%). This variant has not been reported in the literature in individuals affected with ALMS1-related conditions. Experimental studies and prediction algorithms are not available or were not evaluated, and the functional significance of this variant is currently unknown. In summary, the available evidence is currently insufficient to determine the role of this variant in disease. Therefore, it has been classified as a Variant of Uncertain Significance.

Ambry Genetics
Classification: Uncertain significance for Cardiovascular phenotype. Last evaluated: 2019-06-26. Review status: criteria provided, single submitter. Criteria: Ambry Variant Classification Scheme 2023. Collection method: clinical testing. Allele origin: germline.
Comment: The p.K4061R variant (also known as c.12182A>G), located in coding exon 20 of the ALMS1 gene, results from an A to G substitution at nucleotide position 12182. The lysine at codon 4061 is replaced by arginine, an amino acid with highly similar properties. This amino acid position is not well conserved in available vertebrate species, and arginine is the reference amino acid in other vertebrate species. In addition, this alteration is predicted to be tolerated by in silico analysis. Since supporting evidence is limited at this time, the clinical significance of this alteration remains unclear.

NM_001378454.1(ALMS1):c.12179A>G (p.Lys4060Arg)

Genes: ALMS1 (ALMS1 centrosome and basal body associated protein; plus strand), LOC126806252 (BRD4-independent group 4 enhancer GRCh37_chr2:73828496-73829695; plus strand). Cytogenetic location: 2p13.1.
Variant type: single nucleotide variant.
Coding change: c.12179A>G on transcript NM_001378454.1 (MANE Select); coding-DNA position 12179, A replaced by G.
Protein change: p.Lys4060Arg; replaces lysine 4060 with arginine.
Molecular consequence: missense variant.
Genome position (GRCh38, 1-based): chr2:73,602,249, A>G. VCF-style: chr2-73602249-A-G. GRCh37 (hg19) VCF-style: chr2-73829376-A-G.
Other names: c.12182A>G, p.Lys4061Arg (NM_015120.4); short protein forms K4060R, K4061R.
Identifiers: ClinVar variation 1752106 (VCV001752106.4), dbSNP rs745476451, ClinGen allele CA1715476.
Genomic context (GRCh38, chr2:73,602,249, plus strand): 5'-CGCTTCAGTTTCACAGACCTGACTTCATCTCCCGCTCTGGGGAGCGGATAAAGCGCCTGA[A>G]GTTAATAGTCCAGGAGAGGAAGCTGCAGAGCATGTTACAGACCGAGCGGGATGCACTATT-3'
Protein context (NP_001365383.1, residues 4050-4070): SRSGERIKRL[Lys4060Arg]LIVQERKLQS